The following is an entry in ClinVar:

ClinVar aggregate classification (germline): Conflicting classifications of pathogenicity. Review status: criteria provided, conflicting classifications (1 of 4 stars). 3 submissions from 3 submitters: Uncertain significance (1); Benign (1). 1 of the submissions does not count toward it. Last evaluated 2026-01-19.

Conditions:
Autosomal recessive congenital ichthyosis 10 (ARCI10). Identifiers: Orphanet 79394, MedGen C3554355, MONDO:0014011, OMIM 615024.
PNPLA1-related disorder. Also called: PNPLA1-related condition.

Allele frequency attached by ClinVar (database versions not stated): gnomAD exomes 0.00008 and 0.00046; gnomAD 0.00014 and 0.00020; TOPMed 0.00025; ExAC 0.00034; 1000 Genomes Project 0.00180; 1000 Genomes Project 30x 0.00203.
gnomAD v4.1: 166 of 1,613,770 alleles (0.01%); highest among the groups gnomAD compares: East Asian, 0.31%; 1 homozygote.

Submissions (3):

Labcorp Genetics (formerly Invitae), Labcorp
Classification: Benign. Last evaluated: 2026-01-19. Review status: criteria provided, single submitter. Criteria: Invitae Variant Classification Sherloc (09022015). Collection method: clinical testing. Allele origin: germline.

Illumina Laboratory Services, Illumina
Classification: Uncertain significance for Autosomal recessive congenital ichthyosis 10. Last evaluated: 2018-01-13. Review status: criteria provided, single submitter. Criteria: ICSL Variant Classification Criteria 13 December 2019. Collection method: clinical testing. Allele origin: germline.

PreventionGenetics, part of Exact Sciences
Classification: Likely benign for PNPLA1-related condition. Last evaluated: 2019-03-12. Review status: no assertion criteria provided. Collection method: clinical testing. Allele origin: germline. Not counted in ClinVar's aggregate classification.
Comment: This variant is classified as likely benign based on ACMG/AMP sequence variant interpretation guidelines (Richards et al. 2015 PMID: 25741868, with internal and published modifications).

NM_001374623.1(PNPLA1):c.372C>T (p.Leu124=)

Gene: PNPLA1 (patatin like domain 1, omega-hydroxyceramide transacylase; plus strand). Cytogenetic location: 6p21.31.
Variant type: single nucleotide variant.
Coding change: c.372C>T on transcript NM_001374623.1 (MANE Select); coding-DNA position 372, C replaced by T.
Protein change: p.Leu124=; no amino-acid change (leucine 124 retained).
Molecular consequence: synonymous variant.
Genome position (GRCh38, 1-based): chr6:36,291,486, C>T. VCF-style: chr6-36291486-C-T. GRCh37 (hg19) VCF-style: chr6-36259263-C-T.
Other names: c.372C>T, p.Leu124= (NM_001145717.1); c.87C>T, p.Leu29= (NM_001145716.2, NM_173676.2).
Identifiers: ClinVar variation 356556 (VCV000356556.11), dbSNP rs185312959, ClinGen allele CA3777663.